The following is an entry in ClinVar:

ClinVar aggregate classification (germline): Uncertain significance (1 of 4 stars; one submission).

Conditions:
Perlman syndrome (PRLMNS). Identifiers: Orphanet 2849, MedGen C0796113, MONDO:0009965, OMIM 267000.

Submission:

Labcorp Genetics (formerly Invitae), Labcorp
Classification: Uncertain significance for Perlman syndrome. Last evaluated: 2023-02-24. Review status: criteria provided, single submitter. Criteria: Invitae Variant Classification Sherloc (09022015). Collection method: clinical testing. Allele origin: unknown.
Comment: This variant is a gross deletion of the genomic region encompassing exon(s) 20-21 of the DIS3L2 gene, which includes the termination codon. This deletion extends beyond the assayed region for this gene and therefore may encompass additional genes. While this deletion is not anticipated to lead to nonsense mediated decay, it is expected to alter mRNA translation or result in a truncated protein product. This variant has not been reported in the literature in individuals affected with DIS3L2-related conditions. Experimental studies and prediction algorithms are not available or were not evaluated, and the functional significance of this variant is currently unknown. In summary, the available evidence is currently insufficient to determine the role of this variant in disease. Therefore, it has been classified as a Variant of Uncertain Significance.

NC_000002.11:g.(?_233200473)_(233201340_?)del

Gene: DIS3L2 (DIS3 like 3'-5' exoribonuclease 2; plus strand). Cytogenetic location: 2q37.1.
Variant type: Deletion.
Identifiers: ClinVar variation 3247210 (VCV003247210.1).